The following is an entry in ClinVar:

NM_015072.5(TTLL5):c.716A>G (p.Tyr239Cys)

Gene: TTLL5 (tubulin tyrosine ligase like 5; plus strand). Cytogenetic location: 14q24.3.
Variant type: single nucleotide variant.
Coding change: c.716A>G on transcript NM_015072.5 (MANE Select); coding-DNA position 716, A replaced by G.
Protein change: p.Tyr239Cys; replaces tyrosine 239 with cysteine.
Molecular consequence: missense variant.
Genome position (GRCh38, 1-based): chr14:75,707,683, A>G. VCF-style: chr14-75707683-A-G. GRCh37 (hg19) VCF-style: chr14-76174026-A-G.
Other names: short protein forms Y239C.
Identifiers: ClinVar variation 2752416 (VCV002752416.3), dbSNP rs2503037038, ClinGen allele CA390457277.

ClinVar aggregate classification (germline): Uncertain significance (1 of 4 stars; one submission).

Submission:

Labcorp Genetics (formerly Invitae), Labcorp
Classification: Uncertain significance. Last evaluated: 2023-08-23. Review status: criteria provided, single submitter. Criteria: Invitae Variant Classification Sherloc (09022015). Collection method: clinical testing. Allele origin: germline.
Comment: This sequence change replaces tyrosine, which is neutral and polar, with cysteine, which is neutral and slightly polar, at codon 239 of the TTLL5 protein (p.Tyr239Cys). This variant is not present in population databases (gnomAD no frequency). This variant has not been reported in the literature in individuals affected with TTLL5-related conditions. Advanced modeling of protein sequence and biophysical properties (such as structural, functional, and spatial information, amino acid conservation, physicochemical variation, residue mobility, and thermodynamic stability) has been performed at Invitae for this missense variant, however the output from this modeling did not meet the statistical confidence thresholds required to predict the impact of this variant on TTLL5 protein function. In summary, the available evidence is currently insufficient to determine the role of this variant in disease. Therefore, it has been classified as a Variant of Uncertain Significance.